The following is an entry in ClinVar:

NM_020975.6(RET):c.3097C>T (p.Leu1033Phe)

Gene: RET (ret proto-oncogene; plus strand). Cytogenetic location: 10q11.21.
Variant type: single nucleotide variant.
Coding change: c.3097C>T on transcript NM_020975.6 (MANE Select); coding-DNA position 3097, C replaced by T.
Protein change: p.Leu1033Phe; replaces leucine 1033 with phenylalanine.
Molecular consequence: missense variant.
Genome position (GRCh38, 1-based): chr10:43,126,632, C>T. VCF-style: chr10-43126632-C-T. GRCh37 (hg19) VCF-style: chr10-43622080-C-T.
Other names: c.2572C>T, p.Leu858Phe (NM_001406774.1); c.2371C>T, p.Leu791Phe (NM_001406775.1, NM_001406776.1, NM_001406777.1 and 1 more transcripts); c.2200C>T, p.Leu734Phe (NM_001406779.1, NM_001406780.1, NM_001406781.1 and 1 more transcripts); c.3097C>T, p.Leu1033Phe (NM_000323.2, NM_001406743.1, NM_001406744.1 and 4 more transcripts); c.2335C>T, p.Leu779Phe (NM_001355216.2); c.2968C>T, p.Leu990Phe (NM_001406761.1, NM_001406762.1, NM_001406764.1); c.2962C>T, p.Leu988Phe (NM_001406763.1, NM_001406765.1); c.1648C>T, p.Leu550Phe (NM_001406793.1, NM_001406794.1, NM_001406792.1); and 10 more; short protein forms L550F, L598F, L694F, L703F, L937F, L990F, L689F, L691F.
Identifiers: ClinVar variation 2765218 (VCV002765218.3), dbSNP rs2538642509, ClinGen allele CA376558385.

ClinVar aggregate classification (germline): Uncertain significance (1 of 4 stars; one submission).

Conditions:
Multiple endocrine neoplasia, type 2 (MEN2). Identifiers: Orphanet 653, MedGen C4048306, MONDO:0019003. Disease mechanism: gain of function.

Submission:

Labcorp Genetics (formerly Invitae), Labcorp
Classification: Uncertain significance for Multiple endocrine neoplasia, type 2. Last evaluated: 2024-01-28. Review status: criteria provided, single submitter. Criteria: Invitae Variant Classification Sherloc (09022015). Collection method: clinical testing. Allele origin: germline.
Comment: This sequence change replaces leucine, which is neutral and non-polar, with phenylalanine, which is neutral and non-polar, at codon 1033 of the RET protein (p.Leu1033Phe). This variant is not present in population databases (gnomAD no frequency). This variant has not been reported in the literature in individuals affected with RET-related conditions. An algorithm developed to predict the effect of missense changes on protein structure and function (PolyPhen-2) suggests that this variant is likely to be disruptive. In summary, the available evidence is currently insufficient to determine the role of this variant in disease. Therefore, it has been classified as a Variant of Uncertain Significance.